The following is an entry in ClinVar:

NM_007255.3(B4GALT7):c.157T>C (p.Cys53Arg)

Gene: B4GALT7 (beta-1,4-galactosyltransferase 7; plus strand). Cytogenetic location: 5q35.3.
Variant type: single nucleotide variant.
Coding change: c.157T>C on transcript NM_007255.3 (MANE Select); coding-DNA position 157, T replaced by C.
Protein change: p.Cys53Arg; replaces cysteine 53 with arginine.
Molecular consequence: missense variant.
Genome position (GRCh38, 1-based): chr5:177,604,285, T>C. VCF-style: chr5-177604285-T-C. GRCh37 (hg19) VCF-style: chr5-177031286-T-C.
Other names: short protein forms C53R.
Identifiers: ClinVar variation 4823808 (VCV004823808.5).

ClinVar aggregate classification (germline): Uncertain significance. Review status: criteria provided, multiple submitters, no conflicts (2 of 4 stars). 2 submissions from 2 submitters: Uncertain significance (2). Last evaluated 2026-03-01.

Submissions (2):

CeGaT Center for Human Genetics Tuebingen
Classification: Uncertain significance. Last evaluated: 2026-03-01. Review status: criteria provided, single submitter. Criteria: CeGaT Center For Human Genetics Tuebingen Variant Classification Criteria Version 2. Collection method: clinical testing. Allele origin: germline. Affected: yes. Observed: 1 variant allele.
Comment: B4GALT7: PM2

Women's Health and Genetics/Laboratory Corporation of America, LabCorp
Classification: Uncertain significance. Last evaluated: 2026-02-02. Review status: criteria provided, single submitter. Criteria: LabCorp Variant Classification Summary - May 2015. Collection method: clinical testing. Allele origin: germline.
Comment: Variant summary: B4GALT7 c.157T>C (p.Cys53Arg) results in a non-conservative amino acid change in the encoded protein sequence. Algorithms developed to predict the effect of missense changes on protein structure and function are either unavailable or do not agree on the potential impact of this missense change. The variant was absent in 244844 control chromosomes. The available data on variant occurrences in the general population are insufficient to allow any conclusion about variant significance. To our knowledge, no occurrence of c.157T>C in individuals affected with B4GALT7-related conditions and no experimental evidence demonstrating its impact on protein function have been reported. No submitters have cited clinical-significance assessments for this variant to ClinVar. Based on the evidence outlined above, the variant was classified as uncertain significance.